The following is an entry in ClinVar:

NM_004656.4(BAP1):c.439C>T (p.Pro147Ser)

Gene: BAP1 (BRCA1 associated deubiquitinase 1; minus strand). Cytogenetic location: 3p21.1.
Variant type: single nucleotide variant.
Coding change: c.439C>T on transcript NM_004656.4 (MANE Select); coding-DNA position 439, C replaced by T.
Protein change: p.Pro147Ser; replaces proline 147 with serine.
Molecular consequence: missense variant.
Genome position (GRCh38, 1-based): chr3:52,407,315, G>A on the plus strand (C>T on the coding strand, the complement: BAP1 is on the minus strand). VCF-style: chr3-52407315-G-A. GRCh37 (hg19) VCF-style: chr3-52441331-G-A.
Other names: c.439C>T (NM_004656.2); short protein forms P147S.
Identifiers: ClinVar variation 1053166 (VCV001053166.6), dbSNP rs2153227878, ClinGen allele CA353110516.
Genomic context (GRCh38, chr3:52,407,315, plus strand): 5'-CCTCCATGGTCCGCACTGCACTAAGGCCATTCTGCTTCTCAGGGAGGTGGCGTGGCTCGG[G>A]CCTGGGGAAAAACAGAGTCAGGGCCCAAAAAATGATACTCCCCCTACTCCCACCCCACAT-3'
Protein context (NP_004647.1, residues 137-157): LAKAHNSHAR[Pro147Ser]EPRHLPEKQN

ClinVar aggregate classification (germline): Uncertain significance. Review status: criteria provided, multiple submitters, no conflicts (2 of 4 stars). 2 submissions from 2 submitters: Uncertain significance (2). Last evaluated 2024-06-14.

Conditions:
Hereditary cancer-predisposing syndrome. Also called: Tumor predisposition; Hereditary neoplastic syndrome; Hereditary Cancer Syndrome; Neoplastic Syndromes, Hereditary. Identifiers: Orphanet 140162, MedGen C0027672, MeSH D009386, MONDO:0015356.
BAP1-related tumor predisposition syndrome (TPDS1). Also called: TUMOR PREDISPOSITION SYNDROME 1; Tumor susceptibility linked to germline BAP1 mutations; BAP1 tumor predisposition syndrome; COMMON Syndrome. Identifiers: Orphanet 289539, MedGen C3280492, MONDO:0013692, OMIM 614327.

Submissions (2):

Ambry Genetics
Classification: Uncertain significance for Hereditary cancer-predisposing syndrome. Last evaluated: 2024-06-14. Review status: criteria provided, single submitter. Criteria: Ambry Variant Classification Scheme 2023. Collection method: clinical testing. Allele origin: germline.
Comment: The p.P147S variant (also known as c.439C>T), located in coding exon 7 of the BAP1 gene, results from a C to T substitution at nucleotide position 439. The proline at codon 147 is replaced by serine, an amino acid with similar properties. This amino acid position is conserved. In addition, this alteration is predicted to be tolerated by in silico analysis. Based on the available evidence, the clinical significance of this variant remains unclear.

Labcorp Genetics (formerly Invitae), Labcorp
Classification: Uncertain significance for BAP1-related tumor predisposition syndrome. Last evaluated: 2018-03-12. Review status: criteria provided, single submitter. Criteria: Invitae Variant Classification Sherloc (09022015). Collection method: clinical testing. Allele origin: germline.
Comment: In summary, the available evidence is currently insufficient to determine the role of this variant in disease. Therefore, it has been classified as a Variant of Uncertain Significance. Algorithms developed to predict the effect of sequence changes on RNA splicing suggest that this variant may create or strengthen a splice site, but this prediction has not been confirmed by published transcriptional studies. Algorithms developed to predict the effect of missense changes on protein structure and function do not agree on the potential impact of this missense change (SIFT: "Deleterious"; PolyPhen-2: "Probably Damaging"; Align-GVGD: "Class C0"). This variant has not been reported in the literature in individuals with BAP1-related disease. This variant is not present in population databases (ExAC no frequency). This sequence change replaces proline with serine at codon 147 of the BAP1 protein (p.Pro147Ser). The proline residue is highly conserved and there is a moderate physicochemical difference between proline and serine.